The following continues an entry in ClinVar:

NM_005159.5(ACTC1):c.301G>A (p.Glu101Lys)

ClinVar aggregate classification (germline): Pathogenic. Pathogenic (1).

Submissions 16 to 24 of 24:

Laboratory for Molecular Medicine, Mass General Brigham Personalized Medicine
Classification: Pathogenic for Hypertrophic cardiomyopathy. Last evaluated: 2016-07-21. Review status: criteria provided, single submitter. Criteria: LMM Criteria. Collection method: clinical testing. Allele origin: germline. Inheritance: Autosomal dominant inheritance. Observed: 6 variant alleles. Not counted in ClinVar's aggregate classification.
Comment: The p.Glu101Lys variant in ACTC1 has been reported in 8 families with HCM, apica l HCM or LVNC, segregated with disease in >10 affected individuals, and was abse nt from 500 control chromosomes (also reported as Glu99Lys; Olson 2000, Arad 200 5, Monserrat 2007, Klaassen 2008). This variant has been identified in 1/66730 European chromosomes by the Exome Aggregation Consortium (ExAC; dbSNP rs193922680). Please note that for diseases with clinical variability, reduced penetrance, or recessive inheritance, pathogenic variants m ay be present at a low frequency in the general population. In vitro studies ind icate that this variant leads to reduced affinity of myosin for actin and result s in decreased force generation (Bookwalter 2006, Debold 2010, Chow 2014). Furth ermore, a mouse model harboring this variant presented with hypertrophic cardiom yopathy and had a decreased lifespan (Song 2011). In summary, the p.Glu101Lys va riant meets our criteria for pathogenicity (e/lmm) based on segregation studies and functional evidence.

CHEO Genetics Diagnostic Laboratory, Children's Hospital of Eastern Ontario
Classification: Pathogenic for Cardiomyopathy. Last evaluated: 2016-05-06. Review status: criteria provided, single submitter. Criteria: ACMG Guidelines, 2015. Collection method: clinical testing. Allele origin: germline. Study: Canadian Open Genetics Repository. Not counted in ClinVar's aggregate classification.

Women's Health and Genetics/Laboratory Corporation of America, LabCorp
Classification: Pathogenic for Hypertrophic Cardiomyopathy. Last evaluated: 2011-08-18. Review status: criteria provided, single submitter. Criteria: LabCorp Variant Classification Summary - May 2015. Collection method: curation, clinical testing. Allele origin: germline. Inheritance: autosomal dominant. Affected: yes. Observed: 49 variant alleles. Not counted in ClinVar's aggregate classification.
ClinVar note: Converted during submission from pathogenic to Pathogenic.

Juno Genomics, Hangzhou Juno Genomics, Inc
Classification: Pathogenic for Hypertrophic cardiomyopathy 11. Review status: criteria provided, single submitter. Criteria: ACMG Guidelines, 2015. Collection method: clinical testing. Allele origin: germline. Affected: yes. Not counted in ClinVar's aggregate classification.
Comment: Absent from controls (or at extremely low frequency if recessive) in Genome Aggregation Database, Exome Sequencing Project, 1000 Genomes Project, or Exome Aggregation Consortium.;Missense variant in a gene that has a low rate of benign missense variation and where missense variants are a common mechanism of disease.;The prevalence of the variant in affected individuals is significantly increased compared to the prevalence in controls.;Co-segregation with disease in multiple affected family members in a gene definitively known to cause the disease.;Well-established in vitro or in vivo functional studies supportive of a damaging effect on the gene or gene product.;Patient's phenotype or family history is highly specific for a disease with a single genetic etiology.

Laboratory of Genetics and Molecular Cardiology, University of São Paulo
Classification: Likely pathogenic for Hypertrophic cardiomyopathy 11. Review status: criteria provided, single submitter. Criteria: LGCM Criteria August 2015. Collection method: clinical testing. Allele origin: germline. Inheritance: Autosomal dominant inheritance. Affected: yes. Observed: 1 variant allele. Study: Sarcomeric Human Cardiomyopathy Registry (ShaRe). Not counted in ClinVar's aggregate classification.

OMIM
Classification: Pathogenic for CARDIOMYOPATHY, FAMILIAL HYPERTROPHIC, 11. Last evaluated: 2008-06-03. Review status: no assertion criteria provided. Collection method: literature only. Allele origin: germline. Not counted in ClinVar's aggregate classification.

OMIM
Classification: Pathogenic for LEFT VENTRICULAR NONCOMPACTION 4. Last evaluated: 2008-06-03. Review status: no assertion criteria provided. Collection method: literature only. Allele origin: germline. Not counted in ClinVar's aggregate classification.

Clinical Genetics DNA and cytogenetics Diagnostics Lab, Erasmus MC, Erasmus Medical Center
Classification: Pathogenic. Review status: no assertion criteria provided. Collection method: clinical testing. Allele origin: germline. Affected: yes. Study: VKGL Data-share Consensus. Not counted in ClinVar's aggregate classification.

Clinical Genetics, Academic Medical Center
Classification: Pathogenic. Review status: no assertion criteria provided. Collection method: clinical testing. Allele origin: germline. Affected: yes. Study: VKGL Data-share Consensus. Not counted in ClinVar's aggregate classification.

Literature cited by the submitters: PubMed 10966831 (cited by 7 submitters); PubMed 17611253 (cited by 6 submitters); PubMed 18506004 (cited by 7 submitters); PubMed 16611632 (cited by 4 submitters); PubMed 19799913 (cited by 3 submitters); PubMed 21622575 (cited by 4 submitters); PubMed 40421724 (cited by Victorian Clinical Genetics Services, Murdoch Childrens Research Institute); PubMed 29719515 (cited by Victorian Clinical Genetics Services, Murdoch Childrens Research Institute); PubMed 24736382 (cited by 3 submitters); PubMed 21551322 (cited by 4 submitters); PubMed 21524215 (cited by Dasa and Women's Health and Genetics/Laboratory Corporation of America, LabCorp); PubMed 21297463 (cited by Dasa and Women's Health and Genetics/Laboratory Corporation of America, LabCorp); PubMed 16267253 (cited by 7 submitters); PubMed 27532257 (cited by 3billion and Ambry Genetics); PubMed 31397097 (cited by 3billion); PubMed 33500567 (cited by 3billion); PubMed 34540771 (cited by 3billion); PubMed 30847666 (cited by 3billion); PubMed 26061005 (cited by 3billion); PubMed 26715934 (cited by 3billion); PubMed 33673806 (cited by 3billion); PubMed 30371277 (cited by Ambry Genetics); PubMed 17916152 (cited by Women's Health and Genetics/Laboratory Corporation of America, LabCorp); PubMed 18801786 (cited by Women's Health and Genetics/Laboratory Corporation of America, LabCorp); PubMed 17623677 (cited by Women's Health and Genetics/Laboratory Corporation of America, LabCorp); PubMed 18519860 (cited by Women's Health and Genetics/Laboratory Corporation of America, LabCorp); PubMed 20497191 (cited by Women's Health and Genetics/Laboratory Corporation of America, LabCorp); PubMed 19467449 (cited by Women's Health and Genetics/Laboratory Corporation of America, LabCorp); PubMed 14729850 (cited by Women's Health and Genetics/Laboratory Corporation of America, LabCorp); PubMed 12860912 (cited by Women's Health and Genetics/Laboratory Corporation of America, LabCorp); PubMed 15058760 (cited by Women's Health and Genetics/Laboratory Corporation of America, LabCorp); PubMed 18400036 (cited by Women's Health and Genetics/Laboratory Corporation of America, LabCorp); PubMed 19184181 (cited by Women's Health and Genetics/Laboratory Corporation of America, LabCorp); PubMed 20965760 (cited by Women's Health and Genetics/Laboratory Corporation of America, LabCorp); PubMed 18379140 (cited by Women's Health and Genetics/Laboratory Corporation of America, LabCorp); PubMed 17947298 (cited by Women's Health and Genetics/Laboratory Corporation of America, LabCorp).